The following is an entry in ClinVar:

NM_001395656.1(ROBO2):c.*610T>C

Gene: ROBO2 (roundabout guidance receptor 2; plus strand). Cytogenetic location: 3p12.3.
Variant type: single nucleotide variant.
Coding change: c.*610T>C on transcript NM_001395656.1 (MANE Select); 610 bases downstream of the stop codon, T replaced by C.
Molecular consequence: 3 prime UTR variant.
Genome position (GRCh38, 1-based): chr3:77,646,665, T>C. VCF-style: chr3-77646665-T-C. GRCh37 (hg19) VCF-style: chr3-77695816-T-C.
Other names: c.*610T>C (NM_001128929.3, NM_001290039.2, NM_001290040.2 and 14 more transcripts); c.*607T>C (NM_001378194.1, NM_001378196.1, NM_001378199.1 and 3 more transcripts).
Identifiers: ClinVar variation 346720 (VCV000346720.6), dbSNP rs186391329, ClinGen allele CA10619592.

ClinVar aggregate classification (germline): Benign (1 of 4 stars; one submission).

Conditions:
Vesicoureteral reflux 2 (VUR2). Identifiers: Orphanet 289365, MedGen C1970483, MONDO:0012573, OMIM 610878.

Allele frequency attached by ClinVar (database versions not stated): 1000 Genomes Project 0.00160; 1000 Genomes Project 30x 0.00187; gnomAD exomes 0.00248; gnomAD 0.00301 and 0.00326; TOPMed 0.00311.
gnomAD v4.1: 488 of 152,446 alleles (0.32%); highest among the groups gnomAD compares: Admixed American, 0.51%; no homozygotes.

Submission:

Illumina Laboratory Services, Illumina
Classification: Benign for Vesicoureteral reflux 2. Last evaluated: 2018-01-13. Review status: criteria provided, single submitter. Criteria: ICSL Variant Classification Criteria 13 December 2019. Collection method: clinical testing. Allele origin: germline.
Comment: This variant was observed in the ICSL laboratory as part of a predisposition screen in an ostensibly healthy population. It had not been previously curated by ICSL or reported in the Human Gene Mutation Database (HGMD: prior to June 1st, 2018), and was therefore a candidate for classification through an automated scoring system. Utilizing variant allele frequency, disease prevalence and penetrance estimates, and inheritance mode, an automated score was calculated to assess if this variant is too frequent to cause the disease. Based on the score and internal cut-off values, a variant classified as benign is not then subjected to further curation. The score for this variant resulted in a classification of benign for this disease.